The following is an entry in ClinVar:

ClinVar aggregate classification (germline): Uncertain significance (1 of 4 stars; one submission).

Allele frequency attached by ClinVar (database versions not stated): gnomAD 0.00004 and 0.00005; ExAC 0.00005; gnomAD exomes 0.00006.
gnomAD v4.1: 94 of 1,611,238 alleles (0.0058%); highest among the groups gnomAD compares: Non-Finnish European, 0.007%; no homozygotes.

Submission:

GeneDx
Classification: Uncertain significance. Last evaluated: 2020-10-15. Review status: criteria provided, single submitter. Criteria: GeneDx Variant Classification Process June 2021. Collection method: clinical testing. Allele origin: germline. Affected: yes.
Comment: Not observed at a significant frequency in large population cohorts (Lek et al., 2016); In silico analysis supports that this missense variant does not alter protein structure/function; Has not been previously published as pathogenic or benign to our knowledge

NM_002291.3(LAMB1):c.1708A>G (p.Ile570Val)

Gene: LAMB1 (laminin subunit beta 1; minus strand). Cytogenetic location: 7q31.1.
Variant type: single nucleotide variant.
Coding change: c.1708A>G on transcript NM_002291.3 (MANE Select); coding-DNA position 1708, A replaced by G.
Protein change: p.Ile570Val; replaces isoleucine 570 with valine.
Molecular consequence: missense variant.
Genome position (GRCh38, 1-based): chr7:107,963,054, T>C on the plus strand (A>G on the coding strand, the complement: LAMB1 is on the minus strand). VCF-style: chr7-107963054-T-C. GRCh37 (hg19) VCF-style: chr7-107603499-T-C.
Other names: short protein forms I570V.
Identifiers: ClinVar variation 1313338 (VCV001313338.2), dbSNP rs529379106, ClinGen allele CA4435905.